The following is an entry in ClinVar:

NM_001009944.3(PKD1):c.11538-32C>T

Genes: PKD1 (polycystin 1, transient receptor potential channel interacting; minus strand), PKD1-AS1 (PKD1 antisense RNA 1; plus strand). Cytogenetic location: 16p13.3.
Variant type: single nucleotide variant.
Coding change: c.11538-32C>T on transcript NM_001009944.3 (MANE Select); 32 bases into the intron before coding-DNA position 11538, C replaced by T.
Molecular consequence: intron variant.
Genome position (GRCh38, 1-based): chr16:2,091,629, G>A on the plus strand (C>T on the coding strand, the complement: PKD1 is on the minus strand). VCF-style: chr16-2091629-G-A. GRCh37 (hg19) VCF-style: chr16-2141630-G-A.
Other names: c.11535-32C>T (NM_000296.4).
Identifiers: ClinVar variation 2645984 (VCV002645984.24), dbSNP rs371331679, ClinGen allele CA7829059.
Genomic context (GRCh38, chr16:2,091,629, plus strand): 5'-GCGTGAGCTCCAGGAACACAGCGCGGCTCCTGCGCAGAGGGTGCGGGTCAGTAGGAGCGG[G>A]TGGCAGGGCGGGAGCTGCGGGGACCGCGCAGTGCAGGCGTGGCTGAGGGGCTGTGGAAGC-3'

ClinVar aggregate classification (germline): Benign (1 of 4 stars; one submission).

Allele frequency attached by ClinVar (database versions not stated): 1000 Genomes Project 30x 0.00016; ESP Exome Variant Server 0.00112; TOPMed 0.00182; gnomAD 0.00202; gnomAD exomes 0.00276; ExAC 0.00430.
gnomAD v4.1: 4,146 of 1,561,364 alleles (0.27%); highest among the groups gnomAD compares: Non-Finnish European, 0.33%; 5 homozygotes.

Submission:

CeGaT Center for Human Genetics Tuebingen
Classification: Benign. Last evaluated: 2024-11-01. Review status: criteria provided, single submitter. Criteria: CeGaT Center For Human Genetics Tuebingen Variant Classification Criteria Version 2. Collection method: clinical testing. Allele origin: germline. Affected: yes. Observed: 4 variant alleles.
Comment: PKD1: BS1, BS2